The following is an entry in ClinVar:

ClinVar aggregate classification (germline): Uncertain significance. Review status: criteria provided, multiple submitters, no conflicts (2 of 4 stars). 2 submissions from 2 submitters: Uncertain significance (2). Last evaluated 2023-11-19.

Conditions:
Hereditary cancer-predisposing syndrome. Also called: Hereditary Cancer Syndrome; Hereditary neoplastic syndrome; Neoplastic Syndromes, Hereditary; Tumor predisposition. Identifiers: Orphanet 140162, MedGen C0027672, MeSH D009386, MONDO:0015356.
Oligodontia-cancer predisposition syndrome. Also called: TOOTH AGENESIS-COLORECTAL CANCER SYNDROME. Identifiers: Orphanet 300576, MedGen C1837750, MONDO:0012075, OMIM 608615. Disease mechanism: loss of function.

Submissions (2):

Labcorp Genetics (formerly Invitae), Labcorp
Classification: Uncertain significance for Oligodontia-cancer predisposition syndrome. Last evaluated: 2023-11-19. Review status: criteria provided, single submitter. Criteria: Invitae Variant Classification Sherloc (09022015). Collection method: clinical testing. Allele origin: germline.
Comment: This sequence change replaces leucine, which is neutral and non-polar, with proline, which is neutral and non-polar, at codon 443 of the AXIN2 protein (p.Leu443Pro). This variant is not present in population databases (gnomAD no frequency). This variant has not been reported in the literature in individuals affected with AXIN2-related conditions. ClinVar contains an entry for this variant (Variation ID: 1770064). Advanced modeling of protein sequence and biophysical properties (such as structural, functional, and spatial information, amino acid conservation, physicochemical variation, residue mobility, and thermodynamic stability) performed at Invitae indicates that this missense variant is expected to disrupt AXIN2 protein function with a positive predictive value of 80%. In summary, the available evidence is currently insufficient to determine the role of this variant in disease. Therefore, it has been classified as a Variant of Uncertain Significance.

Ambry Genetics
Classification: Uncertain significance for Hereditary cancer-predisposing syndrome. Last evaluated: 2022-07-11. Review status: criteria provided, single submitter. Criteria: Ambry Variant Classification Scheme 2023. Collection method: clinical testing. Allele origin: germline.
Comment: The p.L443P variant (also known as c.1328T>C), located in coding exon 5 of the AXIN2 gene, results from a T to C substitution at nucleotide position 1328. The leucine at codon 443 is replaced by proline, an amino acid with similar properties. This amino acid position is conserved. In addition, this alteration is predicted to be deleterious by in silico analysis. Since supporting evidence is limited at this time, the clinical significance of this alteration remains unclear.

NM_004655.4(AXIN2):c.1328T>C (p.Leu443Pro)

Gene: AXIN2 (axin 2; minus strand). Cytogenetic location: 17q24.1.
Variant type: single nucleotide variant.
Coding change: c.1328T>C on transcript NM_004655.4 (MANE Select); coding-DNA position 1328, T replaced by C.
Protein change: p.Leu443Pro; replaces leucine 443 with proline.
Molecular consequence: missense variant.
Genome position (GRCh38, 1-based): chr17:65,537,708, A>G on the plus strand (T>C on the coding strand, the complement: AXIN2 is on the minus strand). VCF-style: chr17-65537708-A-G. GRCh37 (hg19) VCF-style: chr17-63533826-A-G.
Other names: c.1328T>C, p.Leu443Pro (NM_001363813.1); short protein forms L443P.
Identifiers: ClinVar variation 1770064 (VCV001770064.5), dbSNP rs2509416711, ClinGen allele CA400677717.